The following is an entry in ClinVar:

NM_006445.4(PRPF8):c.5794-11T>C

Gene: PRPF8 (pre-mRNA processing factor 8; minus strand). Cytogenetic location: 17p13.3.
Variant type: single nucleotide variant.
Coding change: c.5794-11T>C on transcript NM_006445.4 (MANE Select); 11 bases into the intron before coding-DNA position 5794, T replaced by C.
Molecular consequence: intron variant.
Genome position (GRCh38, 1-based): chr17:1,655,554, A>G on the plus strand (T>C on the coding strand, the complement: PRPF8 is on the minus strand). VCF-style: chr17-1655554-A-G. GRCh37 (hg19) VCF-style: chr17-1558848-A-G.
Identifiers: ClinVar variation 891252 (VCV000891252.13), dbSNP rs187602609, ClinGen allele CA8271323.

ClinVar aggregate classification (germline): Conflicting classifications of pathogenicity. Review status: criteria provided, conflicting classifications (1 of 4 stars). 4 submissions from 4 submitters: Uncertain significance (1); Likely benign (3). Last evaluated 2025-12-02.

Conditions:
PRPF8-related disorder. Also called: PRPF8-related condition.
Retinitis pigmentosa (RP). Identifiers: Orphanet 791, MedGen C0035334, MeSH D012174, MONDO:0019200, OMIM 268000. Inheritance: Autosomal dominant, autosomal recessive and X linked inheritance.

Allele frequency attached by ClinVar (database versions not stated): gnomAD exomes 0.00001 and 0.00002; ExAC 0.00004; gnomAD 0.00014 and 0.00015; TOPMed 0.00014; ESP Exome Variant Server 0.00015; 1000 Genomes Project 30x 0.00031; 1000 Genomes Project 0.00040.
gnomAD v4.1: 42 of 1,607,154 alleles (0.0026%); highest among the groups gnomAD compares: Middle Eastern, 0.05%; no homozygotes.

Submissions (4):

PreventionGenetics, part of Exact Sciences
Classification: Likely benign for PRPF8-related condition. Last evaluated: 2025-12-02. Review status: criteria provided, single submitter. Criteria: ACMG Guidelines, 2015. Collection method: clinical testing. Allele origin: germline.
Comment: This variant is classified as likely benign based on ACMG/AMP sequence variant interpretation guidelines (Richards et al. 2015 PMID: 25741868, with internal and published modifications).

Labcorp Genetics (formerly Invitae), Labcorp
Classification: Likely benign. Last evaluated: 2025-11-02. Review status: criteria provided, single submitter. Criteria: Invitae Variant Classification Sherloc (09022015). Collection method: clinical testing. Allele origin: germline.

Blueprint Genetics
Classification: Likely benign. Last evaluated: 2024-08-06. Review status: criteria provided, single submitter. Criteria: ACMG Guidelines, 2015. Collection method: clinical testing. Allele origin: germline.

Illumina Laboratory Services, Illumina
Classification: Uncertain significance for Retinitis pigmentosa. Last evaluated: 2018-01-13. Review status: criteria provided, single submitter. Criteria: ICSL Variant Classification Criteria 13 December 2019. Collection method: clinical testing. Allele origin: germline.